The following is an entry in ClinVar:

ClinVar aggregate classification (germline): Likely benign. Review status: criteria provided, multiple submitters, no conflicts (2 of 4 stars). 2 submissions from 2 submitters: Likely benign (2). Last evaluated 2024-07-20.

Conditions:
RYR1-related disorder. Also called: RYR1-related condition; RYR1-related disorders. Identifiers: MedGen CN239331.
Malignant hyperthermia, susceptibility to, 1 (MHS1). Also called: Malignant hyperthermia suceptibility 1; RYR1-Related Malignant Hyperthermia Susceptibility; Anesthesia related hyperthermia; Malignant hyperpyrexia; Fulminating hyperpyrexia; Pharmacogenic myopathy. Identifiers: Orphanet 423, MedGen C2930980, MONDO:0007783, OMIM 145600.

Allele frequency attached by ClinVar (database versions not stated): gnomAD exomes 0.00001.
gnomAD v4.1: 10 of 1,432,762 alleles (0.0007%); highest among the groups gnomAD compares: Non-Finnish European, 0.00073%; no homozygotes.

Submissions (2):

All of Us Research Program, National Institutes of Health
Classification: Likely benign for Malignant hyperthermia, susceptibility to, 1. Last evaluated: 2024-07-20. Review status: criteria provided, single submitter. Criteria: ACMG Guidelines, 2015. Collection method: clinical testing. Allele origin: germline. Inheritance: Autosomal dominant inheritance. Observed: 2 variant alleles, 2 heterozygotes.
Comment: This study involves interpretation of variants in research participants for the purpose of population health screening. Participant phenotype was not available at the time of variant classification. Additional details can be found in publication PMID: 35346344, PMCID: PMC8962531

Labcorp Genetics (formerly Invitae), Labcorp
Classification: Likely benign for RYR1-related disorder. Last evaluated: 2024-01-04. Review status: criteria provided, single submitter. Criteria: Invitae Variant Classification Sherloc (09022015). Collection method: clinical testing. Allele origin: germline.

NM_000540.3(RYR1):c.13398C>A (p.Pro4466=)

Gene: RYR1 (ryanodine receptor 1; plus strand). Cytogenetic location: 19q13.2.
Variant type: single nucleotide variant.
Coding change: c.13398C>A on transcript NM_000540.3 (MANE Select); coding-DNA position 13398, C replaced by A.
Protein change: p.Pro4466=; no amino-acid change (proline 4466 retained).
Molecular consequence: synonymous variant.
Genome position (GRCh38, 1-based): chr19:38,565,732, C>A. VCF-style: chr19-38565732-C-A. GRCh37 (hg19) VCF-style: chr19-39056372-C-A.
Other names: c.13383C>A, p.Pro4461= (NM_001042723.2).
Identifiers: ClinVar variation 761907 (VCV000761907.8), dbSNP rs1599636544, ClinGen allele CA507244061.
Genomic context (GRCh38, chr19:38,565,732, plus strand): 5'-CCGGCCCGAAGGGGCTGGCGGTCTCGGGGACATGGGGGACACGACGCCTGCGGAACCGCC[C>A]ACACCCGAGGGCTCTCCCATCCTCAAGAGGAAATTGGGGGTGAGAGAGCAGGCGGGGTTT-3'
Protein context (NP_000531.2, residues 4456-4476): DMGDTTPAEP[Pro4466=]TPEGSPILKR